The following is an entry in ClinVar:

NM_000143.4(FH):c.1056T>C (p.Gly352=)

Gene: FH (fumarate hydratase; minus strand). Cytogenetic location: 1q43.
Variant type: single nucleotide variant.
Coding change: c.1056T>C on transcript NM_000143.4 (MANE Select); coding-DNA position 1056, T replaced by C.
Protein change: p.Gly352=; no amino-acid change (glycine 352 retained).
Molecular consequence: synonymous variant.
Genome position (GRCh38, 1-based): chr1:241,504,094, A>G on the plus strand (T>C on the coding strand, the complement: FH is on the minus strand). VCF-style: chr1-241504094-A-G. GRCh37 (hg19) VCF-style: chr1-241667394-A-G.
Identifiers: ClinVar variation 699843 (VCV000699843.14), dbSNP rs758440879, ClinGen allele CA1478553.

ClinVar aggregate classification (germline): Benign/Likely benign. Review status: criteria provided, multiple submitters, no conflicts (2 of 4 stars). 3 submissions from 3 submitters: Benign (1); Likely benign (2). Last evaluated 2025-07-24.

Conditions:
Hereditary leiomyomatosis and renal cell cancer. Also called: Familial leiomyomatosis; Reed syndrome; Multiple cutaneous and uterine leiomyomatosis; Cutaneous leiomyomata with uterine leiomyomata; Leiomyoma, hereditary multiple, of skin; Multiple cutaneous and uterine leiomyomata. Identifiers: Orphanet 523, MedGen C1708350, MONDO:0007888, OMIM 150800, HP:0007437. Disease mechanism: loss of function.
Hereditary cancer-predisposing syndrome. Also called: Neoplastic Syndromes, Hereditary; Hereditary Cancer Syndrome; Hereditary neoplastic syndrome; Tumor predisposition. Identifiers: Orphanet 140162, MedGen C0027672, MeSH D009386, MONDO:0015356.

Allele frequency attached by ClinVar (database versions not stated): gnomAD exomes 0.00001 and 0.00003; TOPMed below 0.00001; ExAC 0.00001.
gnomAD v4.1: 43 of 1,614,228 alleles (0.0027%); highest among the groups gnomAD compares: Non-Finnish European, 0.0036%; no homozygotes.

Submissions (3):

Labcorp Genetics (formerly Invitae), Labcorp
Classification: Likely benign. Last evaluated: 2025-07-24. Review status: criteria provided, single submitter. Criteria: Invitae Variant Classification Sherloc (09022015). Collection method: clinical testing. Allele origin: germline.

Myriad Genetics, Inc.
Classification: Benign for Hereditary leiomyomatosis and renal cell cancer. Last evaluated: 2024-10-21. Review status: criteria provided, single submitter. Criteria: Myriad Autosomal Dominant, Autosomal Recessive and X-Linked Classification Criteria (2023). Collection method: clinical testing. Allele origin: unknown.
Comment: This variant is considered benign. This variant is a silent/synonymous amino acid change and it is not expected to impact splicing.

Ambry Genetics
Classification: Likely benign for Hereditary cancer-predisposing syndrome. Last evaluated: 2020-01-03. Review status: criteria provided, single submitter. Criteria: Ambry Variant Classification Scheme 2023. Collection method: clinical testing. Allele origin: germline.